The following is an entry in ClinVar:

NM_001365536.1(SCN9A):c.1846G>A (p.Gly616Arg)

Genes: SCN1A-AS1 (SCN1A and SCN9A antisense RNA 1; plus strand), SCN9A (sodium voltage-gated channel alpha subunit 9; minus strand). Cytogenetic location: 2q24.3.
Variant type: single nucleotide variant.
Coding change: c.1846G>A on transcript NM_001365536.1 (MANE Select); coding-DNA position 1846, G replaced by A.
Protein change: p.Gly616Arg; replaces glycine 616 with arginine.
Molecular consequence: missense variant.
Genome position (GRCh38, 1-based): chr2:166,284,581, C>T on the plus strand (G>A on the coding strand, the complement: SCN9A is on the minus strand). VCF-style: chr2-166284581-C-T. GRCh37 (hg19) VCF-style: chr2-167141091-C-T.
Other names: p.Gly616Arg; c.1846G>A, p.Gly616Arg (NM_002977.4); short protein forms G616R.
Identifiers: ClinVar variation 433099 (VCV000433099.27), dbSNP rs201338643, ClinGen allele CA1944418.

ClinVar aggregate classification (germline): Uncertain significance. Review status: criteria provided, multiple submitters, no conflicts (2 of 4 stars). 9 submissions from 9 submitters: Uncertain significance (8). 1 of the submissions does not count toward it. Last evaluated 2026-02-01.

Conditions:
SCN9A-related neuropathic pain syndromes.
Inborn genetic diseases. Identifiers: MedGen C0950123, MeSH D030342.
Neuropathy, hereditary sensory and autonomic, type 2A (HSAN2A). Also called: HSAN IIA; ACROOSTEOLYSIS, GIACCAI TYPE; ACROOSTEOLYSIS, NEUROGENIC; NEUROPATHY, CONGENITAL SENSORY; NEUROPATHY, HEREDITARY SENSORY RADICULAR, AUTOSOMAL RECESSIVE; NEUROPATHY, HEREDITARY SENSORY, TYPE IIA. Identifiers: Orphanet 970, MedGen C2752089, MONDO:0024309, OMIM 201300.
Paroxysmal extreme pain disorder (PEXPD). Also called: PAIN, SUBMANDIBULAR, OCULAR, AND RECTAL, WITH FLUSHING; RECTAL PAIN, FAMILIAL; SCN9A Paroxysmal Extreme Pain Disorder (SCN9A-PEPD). Identifiers: Orphanet 46348, MedGen C1833661, MONDO:0008179, OMIM 167400.
Primary erythromelalgia. Also called: primary erythermalgia; SCN9A Erythromelalgia (SCN9A-EM). Identifiers: Orphanet 306577, Orphanet 90026, MedGen C0014805, MONDO:0007571, OMIM 133020.
Channelopathy-associated congenital insensitivity to pain, autosomal recessive. Also called: ASYMBOLIA FOR PAIN; CONGENITAL ANALGESIA, AUTOSOMAL RECESSIVE; Insensitivity to pain, channelopathy-associated. Identifiers: Orphanet 88642, Orphanet 970, MedGen C1855739, MONDO:0009459, OMIM 243000.
Generalized epilepsy with febrile seizures plus. Also called: Generalized Epilepsy with Febrile Seizures Plus (GEFS+). Identifiers: Orphanet 36387, MedGen C3502809, MONDO:0018214.
Self-limited epilepsy with centrotemporal spikes. Also called: Childhood epilepsy with centrotemporal spikes; Rolandic epilepsy. Identifiers: Orphanet 1945, MedGen C0376532, MONDO:0007295.
Generalized epilepsy with febrile seizures plus, type 7 (GEFSP7). Also called: GEFS+, TYPE 7. Identifiers: Orphanet 36387, MedGen C2751778, MONDO:0013470, OMIM 613863.

Allele frequency attached by ClinVar (database versions not stated): ExAC 0.00007; gnomAD exomes 0.00007 and 0.00009; TOPMed 0.00009; gnomAD 0.00011 and 0.00014.
gnomAD v4.1: 155 of 1,613,968 alleles (0.0096%); highest among the groups gnomAD compares: Non-Finnish European, 0.012%; no homozygotes.

Submissions (9):

CeGaT Center for Human Genetics Tuebingen
Classification: Uncertain significance. Last evaluated: 2026-02-01. Review status: criteria provided, single submitter. Criteria: CeGaT Center For Human Genetics Tuebingen Variant Classification Criteria Version 2. Collection method: clinical testing. Allele origin: germline. Affected: yes. Observed: 1 variant allele.
Comment: SCN9A: PM2

Labcorp Genetics (formerly Invitae), Labcorp
Classification: Uncertain significance for Neuropathy, hereditary sensory and autonomic, type 2A; Generalized epilepsy with febrile seizures plus, type 7. Last evaluated: 2026-01-28. Review status: criteria provided, single submitter. Criteria: Invitae Variant Classification Sherloc (09022015). Collection method: clinical testing. Allele origin: germline.
Comment: This sequence change replaces glycine, which is neutral and non-polar, with arginine, which is basic and polar, at codon 616 of the SCN9A protein (p.Gly616Arg). This variant is present in population databases (rs201338643, gnomAD 0.02%). This missense change has been observed in individual(s) with inherited erythromelalgia (PMID: 20478850). ClinVar contains an entry for this variant (Variation ID: 433099). Invitae Evidence Modeling of protein sequence and biophysical properties (such as structural, functional, and spatial information, amino acid conservation, physicochemical variation, residue mobility, and thermodynamic stability) indicates that this missense variant is not expected to disrupt SCN9A protein function with a negative predictive value of 95%. Experimental studies have shown that this missense change affects SCN9A function (PMID: 20478850). In summary, the available evidence is currently insufficient to determine the role of this variant in disease. Therefore, it has been classified as a Variant of Uncertain Significance.

GeneDx
Classification: Uncertain significance. Last evaluated: 2025-09-10. Review status: criteria provided, single submitter. Criteria: GeneDx Variant Classification Process June 2021. Collection method: clinical testing. Allele origin: germline. Affected: yes.
Comment: Reported previously in the heterozygous state in three related individuals with erythromelagia (PMID: 20478850); In silico analysis supports that this missense variant has a deleterious effect on protein structure/function; This variant is associated with the following publications: (PMID: 28150151, 30416015, 26220970, 20478850, 40565516, 29358611)

Blueprint Genetics
Classification: Uncertain significance. Last evaluated: 2024-11-08. Review status: criteria provided, single submitter. Criteria: ACMG Guidelines, 2015. Collection method: clinical testing. Allele origin: germline.

Mayo Clinic Laboratories, Mayo Clinic
Classification: Uncertain significance. Last evaluated: 2024-08-02. Review status: criteria provided, single submitter. Criteria: ACMG Guidelines, 2015. Collection method: clinical testing. Allele origin: germline. Observed: 1 variant allele.
Comment: PP3_moderate

Clinical Genomics Laboratory, Washington University in St. Louis
Classification: Uncertain significance for SCN9A-related neuropathic pain syndromes. Last evaluated: 2024-07-11. Review status: criteria provided, single submitter. Criteria: ACMG Guidelines, 2015. Collection method: clinical testing. Allele origin: germline.
Comment: The SCN9A c.1846G>A (p.Gly616Arg) variant has been reported in three related individuals affected with adult-onset primary erythromelalgia (Choi JS et al., PMID: 20478850). The highest population minor allele frequency in the population database genome aggregation database (v.2.1.1) is 0.0171% in the European non-Finnish population. Computational predictors indicate that the variant is damaging, evidence that correlates with impact to SCN9A function. Functional studies show that the variant affects the steady-state inactivation of Nav1.7 in the adult transcript isoform, but not in the neonatal isoform, indicating that this variant impacts protein function (Choi JS et al., PMID: 20478850). Due to limited information, and based on ACMG/AMP guidelines for variant interpretation (Richards S et al., PMID: 25741868), the clinical significance of this variant is uncertain at this time.

Fulgent Genetics
Classification: Uncertain significance for Primary erythromelalgia; Paroxysmal extreme pain disorder; Neuropathy, hereditary sensory and autonomic, type 2A; Channelopathy-associated congenital insensitivity to pain, autosomal recessive. Last evaluated: 2021-11-30. Review status: criteria provided, single submitter. Criteria: ACMG Guidelines, 2015. Collection method: clinical testing. Allele origin: unknown.

Ambry Genetics
Classification: Uncertain significance for Inborn genetic diseases. Last evaluated: 2021-06-09. Review status: criteria provided, single submitter. Criteria: Ambry Variant Classification Scheme 2023. Collection method: clinical testing. Allele origin: germline.
Comment: The p.G616R variant (also known as c.1846G>A), located in coding exon 11 of the SCN9A gene, results from a G to A substitution at nucleotide position 1846. The glycine at codon 616 is replaced by arginine, an amino acid with dissimilar properties. Based on data from gnomAD, the frequency for this variant is above the maximum credible frequency for a disease-causing variant in this gene based on internally established thresholds (Karczewski et al. Nature. 2020 May;581(7809):434-443; Whiffin et al. Genet Med. 2017 10;19:1151-1158). However, this variant appears to segregate with erythromelalgia in one family, and experimental studies show that the G616R mutation depolarizes steady-state inactivation within the adult, but not the neonatal transcript isoform of Nav1.7 (Choi JS et al. Brain, 2010 Jun;133:1823-35). This amino acid position is well conserved in available vertebrate species; however, arginine is the reference amino acid in other vertebrate species. In addition, the in silico prediction for this alteration is inconclusive. Since supporting evidence is conflicting at this time, the clinical significance of this alteration remains unclear.

Bioinformatics Core, Luxembourg Center for Systems Biomedicine
Classification: Pathogenic for Self-limited epilepsy with centrotemporal spikes. Last evaluated: 2017-01-01. Review status: no assertion criteria provided. Collection method: case-control. Allele origin: germline. Affected: yes. Study: EUROEPINOMICS COGIE. Not counted in ClinVar's aggregate classification.

Literature cited by the submitters: PubMed 20478850 (cited by 3 submitters); PubMed 23232607 (cited by Mayo Clinic Laboratories, Mayo Clinic); PubMed 25995458 (cited by Mayo Clinic Laboratories, Mayo Clinic); PubMed 26220970 (cited by Mayo Clinic Laboratories, Mayo Clinic); PubMed 30416015 (cited by Mayo Clinic Laboratories, Mayo Clinic); PubMed 29358611 (cited by Bioinformatics Core, Luxembourg Center for Systems Biomedicine).